The following is an entry in ClinVar:

NM_032790.4(ORAI1):c.668A>G (p.Asn223Ser)

Gene: ORAI1 (ORAI calcium release-activated calcium modulator 1; plus strand). Cytogenetic location: 12q24.31.
Variant type: single nucleotide variant.
Coding change: c.668A>G on transcript NM_032790.4 (MANE Select); coding-DNA position 668, A replaced by G.
Protein change: p.Asn223Ser; replaces asparagine 223 with serine.
Genome position (GRCh38, 1-based): chr12:121,641,405, A>G. VCF-style: chr12-121641405-A-G. GRCh37 (hg19) VCF-style: chr12-122079311-A-G.
Other names: short protein forms N223S.
Identifiers: ClinVar variation 541944 (VCV000541944.15), dbSNP rs75603737, ClinGen allele CA6837537.
Genomic context (GRCh38, chr12:121,641,405, plus strand): 5'-AGAAGCAGCCAGGCCAGCCAAGGCCCACCAGCAAGCCCCCCGCCAGTGGCGCAGCAGCCA[A>G]CGTCAGCACCAGCGGCATCACCCCGGGCCAGGCAGCTGCCATCGCCTCGACCACCATCAT-3'
Protein context (NP_116179.2, residues 213-233): SKPPASGAAA[Asn223Ser]VSTSGITPGQ

ClinVar aggregate classification (germline): Likely benign. Review status: criteria provided, multiple submitters, no conflicts (2 of 4 stars). 4 submissions from 4 submitters: Likely benign (4). Last evaluated 2026-02-01.

Conditions:
Combined immunodeficiency due to ORAI1 deficiency. Also called: IMMUNODEFICIENCY 9. Identifiers: Orphanet 169090, Orphanet 317428, MedGen C2748568, MONDO:0013007, OMIM 612782.
Myopathy, tubular aggregate, 2 (TAM2). Identifiers: MedGen C4014557, MONDO:0014383, OMIM 615883.

Allele frequency attached by ClinVar (database versions not stated): 1000 Genomes Project 30x 0.00234; gnomAD 0.00127; TOPMed 0.00180; ESP Exome Variant Server 0.00185; 1000 Genomes Project 0.00220.

Submissions (4):

Labcorp Genetics (formerly Invitae), Labcorp
Classification: Likely benign for Myopathy, tubular aggregate, 2; Combined immunodeficiency due to ORAI1 deficiency. Last evaluated: 2026-02-01. Review status: criteria provided, single submitter. Criteria: Invitae Variant Classification Sherloc (09022015). Collection method: clinical testing. Allele origin: germline.

Women's Health and Genetics/Laboratory Corporation of America, LabCorp
Classification: Likely benign. Last evaluated: 2025-10-29. Review status: criteria provided, single submitter. Criteria: LabCorp Variant Classification Summary - May 2015. Collection method: clinical testing. Allele origin: germline.
Comment: Variant summary: ORAI1 c.674A>G (p.Asn225Ser), also referred to as c.668A>G (p.Asn223Ser) results in a conservative amino acid change in the encoded protein sequence. Algorithms developed to predict the effect of missense changes on protein structure and function all suggest that this variant is likely to be tolerated. The variant allele was found at a frequency of 0.00041 in 248572 control chromosomes, predominantly at a frequency of 0.0057 within the African or African-American subpopulation in the gnomAD database. The observed variant frequency within African or African-American control individuals in the gnomAD database exceeds the estimated maximal expected allele frequency for disease-causing variants in ORAI1. To our knowledge, no occurrence of c.674A>G in individuals affected with ORAI1-related conditions and no experimental evidence demonstrating its impact on protein function have been reported. ClinVar contains an entry for this variant (Variation ID: 541944). Based on the evidence outlined above, the variant was classified as likely benign.

GeneDx
Classification: Likely benign. Last evaluated: 2018-04-25. Review status: criteria provided, single submitter. Criteria: GeneDx Variant Classification (06012015). Collection method: clinical testing. Allele origin: germline. Affected: yes.
Comment: This variant is considered likely benign or benign based on one or more of the following criteria: it is a conservative change, it occurs at a poorly conserved position in the protein, it is predicted to be benign by multiple in silico algorithms, and/or has population frequency not consistent with disease.

Center for Genomics, Ann and Robert H. Lurie Children's Hospital of Chicago
Classification: Likely benign for Combined immunodeficiency due to ORAI1 deficiency; Myopathy, tubular aggregate, 2. Review status: criteria provided, single submitter. Criteria: ACMG Guidelines, 2015. Collection method: clinical testing. Allele origin: germline.
Comment: This variant has not been reported in the literature but is present in the Genome Aggregation Database (Highest reported MAF 0.5% (212/41456) including 1 homozygote). This variant is present in ClinVar, with multiple labs classifying this variant as Likely benign (Variation ID:541944). This variant amino Serine (Ser) is present in several species including multiple mammals and is not well conserved among evolutionarily distant species; this suggests that this variant may not impact the protein. Additional computational prediction tools do not suggest an impact. In summary, data on this variant suggests that this variant does not cause disease but requires further evidence. Therefore, this variant is classified as likely benign